The following is an entry in ClinVar:

ClinVar aggregate classification (germline): Benign/Likely benign. Review status: criteria provided, multiple submitters, no conflicts (2 of 4 stars). 9 submissions from 8 submitters: Benign (8); Likely benign (1). Last evaluated 2026-02-03.

Conditions:
Fibromuscular dysplasia, multifocal. Identifiers: MedGen C5543412, MONDO:0859151, OMIM 619329.
Ehlers-Danlos syndrome, classic type, 1 (EDSCL1). Also called: Ehlers-Danlos syndrome, type 1; Ehlers-Danlos Syndrome, Classic Type, COL5A1-Related; EDS I; EHLERS-DANLOS SYNDROME, GRAVIS TYPE; EHLERS-DANLOS SYNDROME, SEVERE CLASSIC TYPE. Identifiers: MedGen C0268335, MONDO:0019567, OMIM 130000.

Allele frequency attached by ClinVar (database versions not stated): gnomAD exomes 0.00276; gnomAD 0.00486 and 0.00515; ExAC 0.00264; 1000 Genomes Project 0.00419; TOPMed 0.00614; 1000 Genomes Project 30x 0.00406; ESP Exome Variant Server 0.00507.
gnomAD v4.1: 4,148 of 1,613,386 alleles (0.26%); highest among the groups gnomAD compares: Middle Eastern, 1.1%; 16 homozygotes.

Submissions (9):

Labcorp Genetics (formerly Invitae), Labcorp
Classification: Benign for Ehlers-Danlos syndrome, classic type, 1. Last evaluated: 2026-02-03. Review status: criteria provided, single submitter. Criteria: Invitae Variant Classification Sherloc (09022015). Collection method: clinical testing. Allele origin: germline.

Genomic Medicine Center of Excellence, King Faisal Specialist Hospital and Research Centre
Classification: Likely benign. Last evaluated: 2025-08-18. Review status: criteria provided, single submitter. Criteria: ACMG Guidelines, 2015. Collection method: clinical testing. Allele origin: germline.

ARUP Laboratories, Molecular Genetics and Genomics, ARUP Laboratories
Classification: Benign. Last evaluated: 2025-06-18. Review status: criteria provided, single submitter. Criteria: ARUP Molecular Germline Variant Investigation Process 2024. Collection method: clinical testing. Allele origin: germline.

Women's Health and Genetics/Laboratory Corporation of America, LabCorp
Classification: Benign. Last evaluated: 2023-07-21. Review status: criteria provided, single submitter. Criteria: LabCorp Variant Classification Summary - May 2015. Collection method: clinical testing. Allele origin: germline.

Genome-Nilou Lab
Classification: Benign for Ehlers-Danlos syndrome, classic type, 1. Last evaluated: 2022-03-15. Review status: criteria provided, single submitter. Criteria: ACMG Guidelines, 2015. Collection method: clinical testing. Allele origin: germline. Affected: no.

Genome-Nilou Lab
Classification: Benign for Fibromuscular dysplasia, multifocal. Last evaluated: 2022-03-15. Review status: criteria provided, single submitter. Criteria: ACMG Guidelines, 2015. Collection method: clinical testing. Allele origin: germline. Affected: no.

GeneDx
Classification: Benign. Last evaluated: 2013-10-21. Review status: criteria provided, single submitter. Criteria: GeneDx Variant Classification (06012015). Collection method: clinical testing. Allele origin: germline. Affected: yes.
Comment: This variant is considered likely benign or benign based on one or more of the following criteria: it is a conservative change, it occurs at a poorly conserved position in the protein, it is predicted to be benign by multiple in silico algorithms, and/or has population frequency not consistent with disease.

Breakthrough Genomics
Classification: Benign. Review status: criteria provided, single submitter. Criteria: ACMG Guidelines, 2015. Collection method: not provided. Allele origin: germline. Inheritance: Autosomal dominant inheritance. Affected: yes.

PreventionGenetics, part of Exact Sciences
Classification: Benign. Review status: criteria provided, single submitter. Criteria: ACMG Guidelines, 2015. Collection method: clinical testing. Allele origin: germline.

NM_000093.5(COL5A1):c.4393-17C>T

Gene: COL5A1 (collagen type V alpha 1 chain; plus strand). Cytogenetic location: 9q34.3.
Variant type: single nucleotide variant.
Coding change: c.4393-17C>T on transcript NM_000093.5 (MANE Select); 17 bases into the intron before coding-DNA position 4393, C replaced by T.
Molecular consequence: intron variant.
Genome position (GRCh38, 1-based): chr9:134,818,983, C>T. VCF-style: chr9-134818983-C-T. GRCh37 (hg19) VCF-style: chr9-137710829-C-T.
Other names: c.4393-17C>T (NM_001278074.1).
Identifiers: ClinVar variation 136896 (VCV000136896.25), dbSNP rs141152269, ClinGen allele CA290285.